The following is an entry in ClinVar:

NM_001017995.3(SH3PXD2B):c.1983C>T (p.Val661=)

Gene: SH3PXD2B (SH3 and PX domains 2B; minus strand). Cytogenetic location: 5q35.1.
Variant type: single nucleotide variant.
Coding change: c.1983C>T on transcript NM_001017995.3 (MANE Select); coding-DNA position 1983, C replaced by T.
Protein change: p.Val661=; no amino-acid change (valine 661 retained).
Molecular consequence: synonymous variant. On other transcripts: intron variant (1).
Genome position (GRCh38, 1-based): chr5:172,339,122, G>A on the plus strand (C>T on the coding strand, the complement: SH3PXD2B is on the minus strand). VCF-style: chr5-172339122-G-A. GRCh37 (hg19) VCF-style: chr5-171766126-G-A.
Other names: c.1188+7014C>T (NM_001308175.2).
Identifiers: ClinVar variation 352805 (VCV000352805.19), dbSNP rs73317798, ClinGen allele CA3561065.

ClinVar aggregate classification (germline): Benign/Likely benign. Review status: criteria provided, multiple submitters, no conflicts (2 of 4 stars). 4 submissions from 4 submitters: Benign (2); Likely benign (2). Last evaluated 2026-01-20.

Conditions:
Frank-Ter Haar syndrome. Also called: Borrone di Rocco Crovato syndrome; TER HAAR SYNDROME; MELNICK-NEEDLES SYNDROME, AUTOSOMAL RECESSIVE; BORRONE DERMATOCARDIOSKELETAL SYNDROME. Identifiers: Orphanet 1266, Orphanet 137834, MedGen C1855305, MONDO:0009579, OMIM 249420.

Allele frequency attached by ClinVar (database versions not stated): ESP Exome Variant Server 0.01791; gnomAD exomes 0.00126 and 0.00377; ExAC 0.00471; 1000 Genomes Project 0.01258; 1000 Genomes Project 30x 0.01327; gnomAD 0.01401 and 0.01510; TOPMed 0.01551.

Submissions (4):

Labcorp Genetics (formerly Invitae), Labcorp
Classification: Benign. Last evaluated: 2026-01-20. Review status: criteria provided, single submitter. Criteria: Invitae Variant Classification Sherloc (09022015). Collection method: clinical testing. Allele origin: germline.

GeneDx
Classification: Benign. Last evaluated: 2019-01-25. Review status: criteria provided, single submitter. Criteria: GeneDx Variant Classification Process June 2021. Collection method: clinical testing. Allele origin: germline. Affected: yes.

Illumina Laboratory Services, Illumina
Classification: Likely benign for Frank-Ter Haar syndrome. Last evaluated: 2017-04-27. Review status: criteria provided, single submitter. Criteria: ICSL Variant Classification Criteria 13 December 2019. Collection method: clinical testing. Allele origin: germline.
Comment: This variant was observed as part of a predisposition screen in an ostensibly healthy population. A literature search was performed for the gene, cDNA change, and amino acid change (where applicable). No publications were found based on this search. Allele frequency data from public databases allowed determination this variant is unlikely to cause disease. Therefore, this variant is classified as likely benign.

Breakthrough Genomics
Classification: Likely benign. Review status: criteria provided, single submitter. Criteria: ACMG Guidelines, 2015. Collection method: not provided. Allele origin: germline. Inheritance: Autosomal recessive inheritance. Affected: yes.